The following is an entry in ClinVar:

NM_032043.3(BRIP1):c.120A>G (p.Gln40=)

Gene: BRIP1 (BRCA1 interacting DNA helicase 1; minus strand). Cytogenetic location: 17q23.2.
Variant type: single nucleotide variant.
Coding change: c.120A>G on transcript NM_032043.3 (MANE Select); coding-DNA position 120, A replaced by G.
Protein change: p.Gln40=; no amino-acid change (glutamine 40 retained).
Molecular consequence: synonymous variant.
Genome position (GRCh38, 1-based): chr17:61,859,881, T>C on the plus strand (A>G on the coding strand, the complement: BRIP1 is on the minus strand). VCF-style: chr17-61859881-T-C. GRCh37 (hg19) VCF-style: chr17-59937242-T-C.
Identifiers: ClinVar variation 241624 (VCV000241624.22), dbSNP rs878855136, ClinGen allele CA10583642.
Genomic context (GRCh38, chr17:61,859,881, plus strand): 5'-AGCAGAACAAAGTAAGGCTAAGCTTTTTCCACTTCCTGTGGGACTCTCCAACAAACAATG[T>C]TGCTTGCTGTTTAATCCTCTGAGAATCTATGAACACAGAAACCAATGAAAATAATAAACA-3'
Protein context (NP_114432.2, residues 30-50): NSILRGLNSK[Gln40=]HCLLESPTGS

ClinVar aggregate classification (germline): Benign/Likely benign. Review status: criteria provided, multiple submitters, no conflicts (2 of 4 stars). 7 submissions from 7 submitters: Benign (1); Likely benign (5). 1 of the submissions does not count toward it. Last evaluated 2025-08-31.

Conditions:
BRIP1-related disorder. Also called: BRIP1-related condition; BRIP1-related disorders. Identifiers: MedGen CN239206.
Familial cancer of breast. Also called: Hereditary breast cancer; hereditary breast carcinoma; BREAST CANCER, FAMILIAL. Identifiers: Orphanet 227535, MedGen C0346153, MONDO:0016419, OMIM 114480. Disease mechanism: loss of function.
Fanconi anemia complementation group J. Also called: BRIP1-Related Fanconi Anemia. Identifiers: Orphanet 84, MedGen C1836860, MONDO:0012187, OMIM 609054.
Hereditary cancer-predisposing syndrome. Also called: Hereditary Cancer Syndrome; Tumor predisposition; Hereditary neoplastic syndrome; Neoplastic Syndromes, Hereditary. Identifiers: Orphanet 140162, MedGen C0027672, MeSH D009386, MONDO:0015356.

Allele frequency attached by ClinVar (database versions not stated): gnomAD exomes below 0.00001; gnomAD 0.00001 and 0.00002; TOPMed 0.00001.
gnomAD v4.1: 5 of 1,613,268 alleles (0.00031%); highest among the groups gnomAD compares: South Asian, 0.0044%; 1 homozygote.

Submissions (7):

Labcorp Genetics (formerly Invitae), Labcorp
Classification: Likely benign for Familial cancer of breast; Fanconi anemia complementation group J. Last evaluated: 2025-08-31. Review status: criteria provided, single submitter. Criteria: Invitae Variant Classification Sherloc (09022015). Collection method: clinical testing. Allele origin: germline.

Myriad Genetics, Inc.
Classification: Benign for Familial cancer of breast. Last evaluated: 2024-08-09. Review status: criteria provided, single submitter. Criteria: Myriad Autosomal Dominant, Autosomal Recessive and X-Linked Classification Criteria (2023). Collection method: clinical testing. Allele origin: unknown.
Comment: This variant is considered benign. This variant is a silent/synonymous amino acid change and it is not expected to impact splicing.

Blueprint Genetics
Classification: Likely benign. Last evaluated: 2024-04-17. Review status: criteria provided, single submitter. Criteria: ACMG Guidelines, 2015. Collection method: clinical testing. Allele origin: germline.

Color Diagnostics, LLC DBA Color Health
Classification: Likely benign for Hereditary cancer-predisposing syndrome. Last evaluated: 2018-09-05. Review status: criteria provided, single submitter. Criteria: ACMG Guidelines, 2015. Collection method: clinical testing. Allele origin: germline.

GeneDx
Classification: Likely benign. Last evaluated: 2017-09-26. Review status: criteria provided, single submitter. Criteria: GeneDx Variant Classification (06012015). Collection method: clinical testing. Allele origin: germline. Affected: yes.
Comment: This variant is considered likely benign or benign based on one or more of the following criteria: it is a conservative change, it occurs at a poorly conserved position in the protein, it is predicted to be benign by multiple in silico algorithms, and/or has population frequency not consistent with disease.

Ambry Genetics
Classification: Likely benign for Hereditary cancer-predisposing syndrome. Last evaluated: 2016-01-05. Review status: criteria provided, single submitter. Criteria: Ambry Variant Classification Scheme 2023. Collection method: clinical testing. Allele origin: germline.

PreventionGenetics, part of Exact Sciences
Classification: Likely benign for BRIP1-related condition. Last evaluated: 2020-12-14. Review status: no assertion criteria provided. Collection method: clinical testing. Allele origin: germline. Not counted in ClinVar's aggregate classification.
Comment: This variant is classified as likely benign based on ACMG/AMP sequence variant interpretation guidelines (Richards et al. 2015 PMID: 25741868, with internal and published modifications).